The following is an entry in ClinVar:

ClinVar aggregate classification (germline): Uncertain significance (1 of 4 stars; one submission).

Submission:

Labcorp Genetics (formerly Invitae), Labcorp
Classification: Uncertain significance. Last evaluated: 2025-12-11. Review status: criteria provided, single submitter. Criteria: Invitae Variant Classification Sherloc (09022015). Collection method: clinical testing. Allele origin: germline.
Comment: This variant, c.37_48del, results in the deletion of 4 amino acid(s) of the TGFB1 protein (p.Leu13_Leu16del), but otherwise preserves the integrity of the reading frame. The frequency data for this variant in the population databases is considered unreliable, as metrics indicate poor data quality at this position in the gnomAD database. This variant has not been reported in the literature in individuals affected with TGFB1-related conditions. Experimental studies and prediction algorithms are not available or were not evaluated, and the functional significance of this variant is currently unknown. In summary, the available evidence is currently insufficient to determine the role of this variant in disease. Therefore, it has been classified as a Variant of Uncertain Significance.

NM_000660.7(TGFB1):c.37_48del (p.9LPLL[1])

Gene: TGFB1 (transforming growth factor beta 1; minus strand). Cytogenetic location: 19q13.2.
Variant type: Deletion.
Coding change: c.37_48del on transcript NM_000660.7 (MANE Select); coding-DNA positions 37 to 48, 12 bases deleted (CTACCGCTGCTG).
Protein change: p.9LPLL[1].
Genome position (GRCh38, 1-based): chr19:41,352,997-41,353,008, CAGCAGCGGTAG deleted on the plus strand (CTACCGCTGCTG on the coding strand, the reverse complement: TGFB1 is on the minus strand); deleting any 12 consecutive bases within chr19:41,352,997-41,353,017 gives the same sequence; the c. name uses the placement nearest the transcript's 3' end. VCF-style (leftmost placement, unchanged base first): chr19-41352996-ACAGCAGCGGTAG-A. GRCh37 (hg19) VCF-style: chr19-41858901-ACAGCAGCGGTAG-A.
Identifiers: ClinVar variation 4770669 (VCV004770669.1).